The following is an entry in ClinVar:

ClinVar aggregate classification (germline): Uncertain significance. Review status: criteria provided, multiple submitters, no conflicts (2 of 4 stars). 2 submissions from 2 submitters: Uncertain significance (2). Last evaluated 2025-06-11.

Conditions:
Inborn genetic diseases. Identifiers: MedGen C0950123, MeSH D030342.

Submissions (2):

Ambry Genetics
Classification: Uncertain significance for Inborn genetic diseases. Last evaluated: 2025-06-11. Review status: criteria provided, single submitter. Criteria: Ambry Variant Classification Scheme 2023. Collection method: clinical testing. Allele origin: germline.

GeneDx
Classification: Uncertain significance. Last evaluated: 2016-11-18. Review status: criteria provided, single submitter. Criteria: GeneDx Variant Classification (06012015). Collection method: clinical testing. Allele origin: germline. Affected: yes.
Comment: The P236S variant in the RBFOX2 gene has not been reported previously as a pathogenic variant, nor as a benign variant, to our knowledge. The P236S variant was not observed in approximately 6500 individuals of European and African American ancestry in the NHLBI Exome Sequencing Project, indicating it is not a common benign variant in these populations. The P236S variant is a non-conservative amino acid substitution, which is likely to impact secondary protein structure as these residues differ in polarity, charge, size and/or other properties. This substitution occurs at a position that is conserved across species. In silico analysis is inconsistent in its predictions as to whether or not the variant is damaging to the protein structure/function. We interpret P236S as a variant of uncertain significance.

NM_001349999.2(RBFOX2):c.919C>T (p.Pro307Ser)

Gene: RBFOX2 (RNA binding fox-1 homolog 2; minus strand). Cytogenetic location: 22q12.3.
Variant type: single nucleotide variant.
Coding change: c.919C>T on transcript NM_001349999.2 (MANE Select); coding-DNA position 919, C replaced by T.
Protein change: p.Pro307Ser; replaces proline 307 with serine.
Molecular consequence: missense variant.
Genome position (GRCh38, 1-based): chr22:35,761,247, G>A on the plus strand (C>T on the coding strand, the complement: RBFOX2 is on the minus strand). VCF-style: chr22-35761247-G-A. GRCh37 (hg19) VCF-style: chr22-36157294-G-A.
Other names: c.706C>T, p.Pro236Ser (NM_001031695.4, NM_001082576.3, NM_001082577.3 and 2 more transcripts); c.919C>T, p.Pro307Ser (NM_001082578.4, NM_001394114.1); c.916C>T, p.Pro306Ser (NM_001082579.3, NM_001394112.1, NM_001394113.1 and 1 more transcripts); c.772C>T, p.Pro258Ser (NM_001349982.2, NM_001349989.2, NM_001349990.2 and 4 more transcripts); c.679C>T, p.Pro227Ser (NM_001349995.2); c.709C>T, p.Pro237Ser (NM_001349997.2, NM_014309.4); c.913C>T, p.Pro305Ser (NM_001394108.1); c.823C>T, p.Pro275Ser (NM_001394109.1, NM_001394110.1, NM_001394111.1); and 1 more; short protein forms P236S, P307S, P258S, P306S, P227S, P237S, P275S, P305S.
Identifiers: ClinVar variation 373382 (VCV000373382.3), dbSNP rs1057518386, ClinGen allele CA16043155.